The following is an entry in ClinVar:

ClinVar aggregate classification (germline): Conflicting classifications of pathogenicity. Review status: criteria provided, conflicting classifications (1 of 4 stars). 27 submissions from 27 submitters: Uncertain significance (3); Benign (8); Likely benign (8). 8 of the submissions do not count toward it. Last evaluated 2026-02-04.

Conditions:
BRCA2-related disorder. Also called: BRCA2-related condition; BRCA2-related disorders. Identifiers: MedGen CN239275.
Hereditary cancer-predisposing syndrome. Also called: Tumor predisposition; Neoplastic Syndromes, Hereditary; Hereditary Cancer Syndrome; Hereditary neoplastic syndrome. Identifiers: Orphanet 140162, MedGen C0027672, MeSH D009386, MONDO:0015356.
Breast and/or ovarian cancer. Identifiers: MedGen CN221562.
Hereditary breast ovarian cancer syndrome. Also called: Hereditary breast and ovarian cancer syndrome; Hereditary breast and ovarian cancer; Hereditary breast and ovarian cancer syndrome (HBOC); Hereditary breast and/or ovarian cancer syndrome; Breast and ovarian cancer; BRCA1- and BRCA2-Associated Hereditary Breast and Ovarian Cancer. Identifiers: Orphanet 145, MedGen C0677776, MeSH D061325, MONDO:0003582. Disease mechanism: loss of function.
Breast-ovarian cancer, familial, susceptibility to, 2 (BROVCA2). Also called: BRCA2 Hereditary Breast and Ovarian Cancer. Identifiers: Orphanet 145, MedGen C2675520, MONDO:0012933, OMIM 612555. Disease mechanism: loss of function.

Allele frequency attached by ClinVar (database versions not stated): TOPMed 0.00113; ESP Exome Variant Server 0.00115; gnomAD 0.00100 and 0.00086; gnomAD exomes 0.00010 and 0.00027; ExAC 0.00030; 1000 Genomes Project 0.00040; 1000 Genomes Project 30x 0.00047.
gnomAD v4.1: 280 of 1,614,150 alleles (0.017%); highest among the groups gnomAD compares: African/African-American, 0.3%; no homozygotes.

Submissions 1 to 20 of 27:

Labcorp Genetics (formerly Invitae), Labcorp
Classification: Benign for Hereditary breast ovarian cancer syndrome. Last evaluated: 2026-02-04. Review status: criteria provided, single submitter. Criteria: Invitae Variant Classification Sherloc (09022015). Collection method: clinical testing. Allele origin: germline.

Dasa
Classification: Benign for Breast-ovarian cancer, familial, susceptibility to, 2. Last evaluated: 2025-11-03. Review status: criteria provided, single submitter. Criteria: DASA Assertion Criteria. Collection method: clinical testing. Allele origin: germline.
Comment: NM_000059.4(BRCA2):c.7504C>T (p.Arg2502Cys) is a missense variant that results in the substitution of arginine with cysteine. Population frequency is inconsistent with a disease-causing role for this variant, and functional evidence is consistent with no deleterious impact on the gene or gene product. Therefore, based on the currently available evidence, this variant is classified as benign.

CeGaT Center for Human Genetics Tuebingen
Classification: Likely benign. Last evaluated: 2025-02-01. Review status: criteria provided, single submitter. Criteria: CeGaT Center For Human Genetics Tuebingen Variant Classification Criteria Version 2. Collection method: clinical testing. Allele origin: germline. Affected: yes. Observed: 2 variant alleles.
Comment: BRCA2: BP4, BS1

Blueprint Genetics
Classification: Likely benign. Last evaluated: 2024-07-04. Review status: criteria provided, single submitter. Criteria: ACMG Guidelines, 2015. Collection method: clinical testing. Allele origin: germline.

German Consortium for Hereditary Breast and Ovarian Cancer, University Hospital Cologne
Classification: Benign for Hereditary breast ovarian cancer syndrome. Last evaluated: 2023-10-19. Review status: criteria provided, single submitter. Criteria: ACMG Guidelines, 2015. Collection method: curation. Allele origin: germline.
Comment: (BA1, BS3, BP4_strong). According to the ACMG standard criteria we chose these criteria: BP4 (strong benign): Bayes Del noAF (-0.0527), BS3 (strong benign): Richardson et al., 2021: neutral / final classification: benign (BA1, BS3, BP4_strong), BA1 (stand-alone benign): gnomAD: AF AFR: 0.003065

Mendelics
Classification: Benign for Hereditary breast ovarian cancer syndrome. Last evaluated: 2023-08-22. Review status: criteria provided, single submitter. Criteria: Mendelics Assertion Criteria 2019. Collection method: clinical testing. Allele origin: germline.

CHEO Genetics Diagnostic Laboratory, Children's Hospital of Eastern Ontario
Classification: Likely benign for Breast and/or ovarian cancer. Last evaluated: 2022-12-05. Review status: criteria provided, single submitter. Criteria: ACMG Guidelines, 2015. Collection method: clinical testing. Allele origin: germline.

Quest Diagnostics Nichols Institute San Juan Capistrano
Classification: Benign. Last evaluated: 2022-09-15. Review status: criteria provided, single submitter. Criteria: Quest Diagnostics criteria. Collection method: clinical testing. Allele origin: unknown.

Sema4
Classification: Likely benign for Hereditary cancer-predisposing syndrome. Last evaluated: 2021-05-17. Review status: criteria provided, single submitter. Criteria: Sema4 Curation Guidelines. Collection method: curation. Allele origin: germline.

St. Jude Molecular Pathology, St. Jude Children's Research Hospital
Classification: Likely benign for Hereditary breast ovarian cancer syndrome. Last evaluated: 2020-12-03. Review status: criteria provided, single submitter. Criteria: St. Jude Assertion Criteria 2020. Collection method: clinical testing. Allele origin: germline.
Comment: The BRCA2 c.7504C>T (p.Arg2502Cys) missense change has a maximum subpopulation frequency of 0.32% in gnomAD v2.1.1. This frequency is higher than would be expected for a pathogenic variant in BRCA2 (BS1; PMID: 28166811). This variant affects a nucleotide that is not highly conserved and is predicted to be benign by multiple in silico algorithms (BP4). In summary, this variant meets criteria to be classified as likely benign based on the ACMG/AMP criteria: BS1, BP4.

Ambry Genetics
Classification: Benign for Hereditary cancer-predisposing syndrome. Last evaluated: 2020-01-22. Review status: criteria provided, single submitter. Criteria: Ambry Variant Classification Scheme 2023. Collection method: clinical testing. Allele origin: germline.

ARUP Laboratories, Molecular Genetics and Genomics, ARUP Laboratories
Classification: Likely benign. Last evaluated: 2019-05-18. Review status: criteria provided, single submitter. Criteria: ARUP Molecular Germline Variant Investigation Process. Collection method: clinical testing. Allele origin: germline.

GeneDx
Classification: Likely benign. Last evaluated: 2018-01-30. Review status: criteria provided, single submitter. Criteria: GeneDx Variant Classification (06012015). Collection method: clinical testing. Allele origin: germline. Affected: yes.
Comment: This variant is considered likely benign or benign based on one or more of the following criteria: it is a conservative change, it occurs at a poorly conserved position in the protein, it is predicted to be benign by multiple in silico algorithms, and/or has population frequency not consistent with disease.

Genetic Services Laboratory, University of Chicago
Classification: Likely benign. Last evaluated: 2017-07-13. Review status: criteria provided, single submitter. Criteria: ACMG Guidelines, 2015. Collection method: clinical testing. Allele origin: germline. Affected: no.

Laboratory for Molecular Medicine, Mass General Brigham Personalized Medicine
Classification: Uncertain significance. Last evaluated: 2016-06-23. Review status: criteria provided, single submitter. Criteria: LMM Criteria. Collection method: clinical testing. Allele origin: germline.
Comment: Variant identified in a genome or exome case(s) and assessed due to predicted null impact of the variant or pathogenic assertions in the literature or databases. Disclaimer: This variant has not undergone full assessment. The following are preliminary notes: Frequency; ClinVar: 2 LB, 7 VUS

Color Diagnostics, LLC DBA Color Health
Classification: Benign for Hereditary cancer-predisposing syndrome. Last evaluated: 2016-05-24. Review status: criteria provided, single submitter. Criteria: ACMG Guidelines, 2015. Collection method: clinical testing. Allele origin: germline.

Women's Health and Genetics/Laboratory Corporation of America, LabCorp
Classification: Benign. Last evaluated: 2016-02-11. Review status: criteria provided, single submitter. Criteria: LabCorp Variant Classification Summary - May 2015. Collection method: clinical testing. Allele origin: germline.
Comment: Variant summary: Variant affects a non-conserved nucleotide and results in a replacement of a large size and basic Arginine (R) with a medium size and polar Cysteine (C). 4/5 in silico tools predict the variant to be benign. It was observed in the large and broad cohorts of the ExAC project at an allele frequency of 0.029%. It is most prevalent in the African subpopulation with an observed allele frequency of 0.29% which exceeds the maximal expected allele frequency of a disease causing BRCA2 allele (0.075%) indicating the variant to be benign. The variant was also observed in HBOC spectrum patients, however without strong evidence for pathogenicity. A functional study reported the variant not to have an effect on normal splicing. Moreover, BIC reports co-occurrence with multiple pathogenic BRCA1 variants c.3764_3765insA (p.Asn1255fsX12), and c.5324T>G (p.Met1775Arg) and c. 5074G>A (p.Asp1692Asn) further supporting a benign impact. Clinical diagnostic centers classify variant as Uncertain/Likely Benign/Benign via ClinVar (without evidence to independently evaluate). Considering all evidence, the variant was classified as Benign.

Eurofins Ntd Llc (ga)
Classification: Uncertain significance. Last evaluated: 2014-11-05. Review status: criteria provided, single submitter. Criteria: EGL Classification Definitions 2015. Collection method: clinical testing. Allele origin: germline. Observed: 1 variant allele, 1 homozygote.

CSER _CC_NCGL, University of Washington
Classification: Uncertain significance for Breast and/or ovarian cancer. Last evaluated: 2014-06-01. Review status: criteria provided, single submitter. Criteria: Amendola et al. (Genome Res. 2015). Collection method: research. Allele origin: germline. Inheritance: Autosomal dominant inheritance. Study: ESP 6500 variant annotation.
Comment: Low GERP score may suggest that this variant may belong in a lower pathogenicity class

Variants classified for the Actionable exomic incidental findings in 6503 participants: challenges of variant classification manuscript

BRCAlab, Lund University
Classification: Benign for Breast-ovarian cancer, familial, susceptibility to, 2. Last evaluated: 2024-02-02. Review status: no assertion criteria provided. Collection method: clinical testing. Allele origin: germline. Affected: yes. Not counted in ClinVar's aggregate classification.

NM_000059.4(BRCA2):c.7504C>T (p.Arg2502Cys)

Gene: BRCA2 (BRCA2 DNA repair associated; plus strand). Cytogenetic location: 13q13.1.
Variant type: single nucleotide variant.
Coding change: c.7504C>T on transcript NM_000059.4 (MANE Select); coding-DNA position 7504, C replaced by T.
Protein change: p.Arg2502Cys; replaces arginine 2502 with cysteine.
Molecular consequence: missense variant.
Genome position (GRCh38, 1-based): chr13:32,356,496, C>T. VCF-style: chr13-32356496-C-T. GRCh37 (hg19) VCF-style: chr13-32930633-C-T.
Other names: p.R2502C:CGC>TGC; short protein forms R2502C.
Identifiers: ClinVar variation 41563 (VCV000041563.75), dbSNP rs55716624, ClinGen allele CA025120.
Genomic context (GRCh38, chr13:32,356,496, plus strand): 5'-ACAAGTCTTCAGAATGCCAGAGATATACAGGATATGCGAATTAAGAAGAAACAAAGGCAA[C>T]GCGTCTTTCCACAGCCAGGCAGTCTGTATCTTGCAAAAACATCCACTCTGCCTCGAATCT-3'
Protein context (NP_000050.3, residues 2492-2512): DMRIKKKQRQ[Arg2502Cys]VFPQPGSLYL